The following is an entry in ClinVar:

NM_000381.4(MID1):c.1854T>G (p.Tyr618Ter)

Genes: MID1 (midline 1; minus strand), LOC126863207 (BRD4-independent group 4 enhancer GRCh37_chrX:10416979-10418178; plus strand). Cytogenetic location: Xp22.2.
Variant type: single nucleotide variant.
Coding change: c.1854T>G on transcript NM_000381.4 (MANE Select); coding-DNA position 1854, T replaced by G.
Protein change: p.Tyr618Ter; replaces tyrosine 618 with a stop codon.
Molecular consequence: nonsense.
Genome position (GRCh38, 1-based): chrX:10,449,518, A>C on the plus strand (T>G on the coding strand, the complement: MID1 is on the minus strand). VCF-style: chrX-10449518-A-C. GRCh37 (hg19) VCF-style: chrX-10417558-A-C.
Other names: c.1854T>G, p.Tyr618Ter (NM_001098624.2, NM_001193277.1, NM_001347733.2 and 1 more transcripts); c.1740T>G, p.Tyr580Ter (NM_033289.2); short protein forms Y580*, Y618*.
Identifiers: ClinVar variation 5019360 (VCV005019360.2).
Genomic context (GRCh38, chrX:10,449,518, plus strand): 5'-GCAAACAGGCTGCGCAAATGCGACGTCGAAGGTGTAGAGGTGGATGGAGTTCAAAGCATC[A>C]TAAAAGGCGATAGAGCCGTTATCATAGTCCAGCAGGATGCCCACGCGCCGGAGGTGGGGG-3'

ClinVar aggregate classification (germline): Uncertain significance (1 of 4 stars; one submission).

Conditions:
X-linked Opitz G/BBB syndrome (GBBB). Also called: Opitz-Frias syndrome; OPITZ BBBG SYNDROME, TYPE I; OPITZ SYNDROME, X-LINKED; OPITZ-G SYNDROME, TYPE I; MID1-Related Opitz G/BBB Syndrome. Identifiers: Orphanet 2745, MedGen C2936904, MONDO:0010222, OMIM 300000.

Submission:

Juno Genomics, Hangzhou Juno Genomics, Inc
Classification: Uncertain significance for X-linked Opitz G/BBB syndrome. Review status: criteria provided, single submitter. Criteria: ACMG Guidelines, 2015. Collection method: clinical testing. Allele origin: germline.
Comment: Absent from controls (or at extremely low frequency if recessive) in Genome Aggregation Database.;Null variant in a gene where loss of function (LOF) is a known mechanism of disease.